The following is an entry in ClinVar:

ClinVar aggregate classification (germline): Likely pathogenic (1 of 4 stars; one submission).

Conditions:
Hereditary cancer-predisposing syndrome. Also called: Tumor predisposition; Hereditary Cancer Syndrome; Hereditary neoplastic syndrome; Neoplastic Syndromes, Hereditary. Identifiers: Orphanet 140162, MedGen C0027672, MeSH D009386, MONDO:0015356.

Submission:

Ambry Genetics
Classification: Likely pathogenic for Hereditary cancer-predisposing syndrome. Last evaluated: 2023-12-20. Review status: criteria provided, single submitter. Criteria: Ambry Variant Classification Scheme 2023. Collection method: clinical testing. Allele origin: germline.
Comment: The c.7789-3_7789-2delTAinsAT intronic variant results from a deletion of 2 nucleotides and insertion of 2 nucleotides at positions c..7789-3 to c.77889-2 and involves the canonical splice acceptor site before coding exon 52 of the ATM gene. The canonical splice acceptor site is well conserved in available vertebrate species. In silico splice site analysis predicts that this alteration will weaken the native splice acceptor site; however, direct evidence is insufficient at this time (Ambry internal data). This variant is considered to be rare based on population cohorts in the Genome Aggregation Database (gnomAD). Alterations that disrupt the canonical splice site are expected to cause aberrant splicing, resulting in an abnormal protein or a transcript that is subject to nonsense-mediated mRNA decay. As such, this alteration is classified as likely pathogenic.

NM_000051.4(ATM):c.7789-3_7789-2delinsAT

Genes: ATM (ATM serine/threonine kinase; plus strand), C11orf65 (chromosome 11 open reading frame 65; minus strand). Cytogenetic location: 11q22.3.
Variant type: Indel.
Coding change: c.7789-3_7789-2delinsAT on transcript NM_000051.4 (MANE Select); 3 bases into the intron before coding-DNA position 7789 through the canonical splice acceptor site of the intron before coding-DNA position 7789, TA replaced by AT.
Molecular consequence: splice acceptor variant. On other transcripts: intron variant (2).
Genome position (GRCh38, 1-based): chr11:108,332,759-108,332,760, TA replaced by AT. VCF-style: chr11-108332759-TA-AT. GRCh37 (hg19) VCF-style: chr11-108203486-TA-AT.
Other names: c.7789-3_7789-2delinsAT (NM_001351834.2); c.641-23689_641-23688delinsAT (NM_001330368.2); c.*38+2460_*38+2461delinsAT (NM_001351110.2).
Identifiers: ClinVar variation 3223046 (VCV003223046.1), dbSNP rs2547297621, ClinGen allele CA2825001970.